The following is an entry in ClinVar:

NM_001198950.3(MYO16):c.1864A>C (p.Met622Leu)

Gene: MYO16 (myosin XVI; plus strand). Cytogenetic location: 13q33.3.
Variant type: single nucleotide variant.
Coding change: c.1864A>C on transcript NM_001198950.3 (MANE Select); coding-DNA position 1864, A replaced by C.
Protein change: p.Met622Leu; replaces methionine 622 with leucine.
Molecular consequence: missense variant.
Genome position (GRCh38, 1-based): chr13:108,910,089, A>C. VCF-style: chr13-108910089-A-C. GRCh37 (hg19) VCF-style: chr13-109562437-A-C.
Other names: NC_000013.10:g.109562437A>C; c.1798A>C, p.Met600Leu (NM_015011.3); short protein forms M600L, M622L.
Identifiers: ClinVar variation 3056192 (VCV003056192.3), dbSNP rs61743216, ClinGen allele CA7044879.

ClinVar aggregate classification (germline): Benign (0 of 4 stars; one submission).

Conditions:
MYO16-related disorder. Also called: MYO16-related condition.

Allele frequency attached by ClinVar (database versions not stated): 1000 Genomes Project 0.00319; 1000 Genomes Project 30x 0.00328; TOPMed 0.00922; gnomAD 0.00927; ESP Exome Variant Server 0.01053; ExAC 0.01078.
gnomAD v4.1: 18,786 of 1,613,380 alleles (1.2%); highest among the groups gnomAD compares: Non-Finnish European, 1.3%; 142 homozygotes.

Submissions (9):

PreventionGenetics, part of Exact Sciences
Classification: Benign for MYO16-related condition. Last evaluated: 2019-03-01. Review status: no assertion criteria provided. Collection method: clinical testing. Allele origin: germline.
Comment: This variant is classified as benign based on ACMG/AMP sequence variant interpretation guidelines (Richards et al. 2015 PMID: 25741868, with internal and published modifications).

Dr. Peter K. Rogan Lab, Western University
No classification provided (evidence only). Condition: Melanoma. Review status: no classification provided. Collection method: in vitro. Allele origin: not applicable. Functional consequence: retained intron. Not counted in ClinVar's aggregate classification.

Dr. Peter K. Rogan Lab, Western University
No classification provided (evidence only). Condition: Colon adenocarcinoma. Review status: no classification provided. Collection method: in vitro. Allele origin: not applicable. Functional consequence: retained intron. Not counted in ClinVar's aggregate classification.

Dr. Peter K. Rogan Lab, Western University
No classification provided (evidence only). Condition: Thyroid cancer, nonmedullary, 1. Review status: no classification provided. Collection method: in vitro. Allele origin: not applicable. Functional consequence: retained intron. Not counted in ClinVar's aggregate classification.

Dr. Peter K. Rogan Lab, Western University
No classification provided (evidence only). Condition: Thyroid cancer, nonmedullary, 1. Review status: no classification provided. Collection method: in vitro. Allele origin: not applicable. Functional consequence: retained intron. Not counted in ClinVar's aggregate classification.

Dr. Peter K. Rogan Lab, Western University
No classification provided (evidence only). Condition: Thyroid cancer, nonmedullary, 1. Review status: no classification provided. Collection method: in vitro. Allele origin: not applicable. Functional consequence: retained intron. Not counted in ClinVar's aggregate classification.

Dr. Peter K. Rogan Lab, Western University
No classification provided (evidence only). Condition: Sarcoma. Review status: no classification provided. Collection method: in vitro. Allele origin: not applicable. Functional consequence: retained intron. Not counted in ClinVar's aggregate classification.

Dr. Peter K. Rogan Lab, Western University
No classification provided (evidence only). Condition: Gastric cancer. Review status: no classification provided. Collection method: in vitro. Allele origin: not applicable. Functional consequence: retained intron. Not counted in ClinVar's aggregate classification.

Dr. Peter K. Rogan Lab, Western University
No classification provided (evidence only). Condition: Gastric cancer. Review status: no classification provided. Collection method: in vitro. Allele origin: not applicable. Functional consequence: retained intron. Not counted in ClinVar's aggregate classification.